The following is an entry in ClinVar:

ClinVar aggregate classification (germline): Uncertain significance (1 of 4 stars; one submission).

Submission:

Labcorp Genetics (formerly Invitae), Labcorp
Classification: Uncertain significance. Last evaluated: 2021-08-23. Review status: criteria provided, single submitter. Criteria: Invitae Variant Classification Sherloc (09022015). Collection method: clinical testing. Allele origin: germline.
Comment: In summary, the available evidence is currently insufficient to determine the role of this variant in disease. Therefore, it has been classified as a Variant of Uncertain Significance. Advanced modeling of protein sequence and biophysical properties (such as structural, functional, and spatial information, amino acid conservation, physicochemical variation, residue mobility, and thermodynamic stability) performed at Invitae indicates that this missense variant is not expected to disrupt COL11A1 protein function. This variant has not been reported in the literature in individuals affected with COL11A1-related conditions. This variant is not present in population databases (ExAC no frequency). This sequence change replaces proline with serine at codon 711 of the COL11A1 protein (p.Pro711Ser). The proline residue is highly conserved and there is a moderate physicochemical difference between proline and serine.

NM_001854.4(COL11A1):c.2131C>T (p.Pro711Ser)

Gene: COL11A1 (collagen type XI alpha 1 chain; minus strand). Cytogenetic location: 1p21.1.
Variant type: single nucleotide variant.
Coding change: c.2131C>T on transcript NM_001854.4 (MANE Select); coding-DNA position 2131, C replaced by T.
Protein change: p.Pro711Ser; replaces proline 711 with serine.
Molecular consequence: missense variant. On other transcripts: non-coding transcript variant (1).
Genome position (GRCh38, 1-based): chr1:103,001,936, G>A on the plus strand (C>T on the coding strand, the complement: COL11A1 is on the minus strand). VCF-style: chr1-103001936-G-A. GRCh37 (hg19) VCF-style: chr1-103467492-G-A.
Other names: c.2014C>T, p.Pro672Ser (NM_001190709.2); c.2167C>T, p.Pro723Ser (NM_080629.3); c.1783C>T, p.Pro595Ser (NM_080630.4); short protein forms P723S, P595S, P672S, P711S.
Identifiers: ClinVar variation 1484144 (VCV001484144.6), dbSNP rs1665145505, ClinGen allele CA341170440.
Genomic context (GRCh38, chr1:103,001,936, plus strand): 5'-TAAAACAAACATGTTCACCAGGCTTTACGAGAACAACAGAGTAACTTACTTTTTCACCAG[G>A]AGGACCAATTGGACCTTGTGGACCAGGAAGACCCTATTTTAAAAGAATTTATTTCATATA-3'
Protein context (NP_001845.3, residues 701-721): LPGPQGPIGP[Pro711Ser]GEKGPQGKPG